The following is an entry in ClinVar:

ClinVar aggregate classification (germline): Uncertain significance (1 of 4 stars; one submission).

Conditions:
Hereditary cancer-predisposing syndrome. Also called: Neoplastic Syndromes, Hereditary; Tumor predisposition; Hereditary Cancer Syndrome; Hereditary neoplastic syndrome. Identifiers: Orphanet 140162, MedGen C0027672, MeSH D009386, MONDO:0015356.

Submission:

Ambry Genetics
Classification: Uncertain significance for Hereditary cancer-predisposing syndrome. Last evaluated: 2026-02-23. Review status: criteria provided, single submitter. Criteria: Ambry Variant Classification Scheme 2023. Collection method: clinical testing. Allele origin: germline.
Comment: The p.L529I variant (also known as c.1585C>A), located in coding exon 12 of the APC gene, results from a C to A substitution at nucleotide position 1585. The leucine at codon 529 is replaced by isoleucine, an amino acid with highly similar properties. This amino acid position is conserved. In addition, in silico predictors for this gene do not accurately predict pathogenicity. Based on the available evidence, the clinical significance of this variant remains unclear.

NM_000038.6(APC):c.1585C>A (p.Leu529Ile)

Gene: APC (APC regulator of Wnt signaling pathway; plus strand). Cytogenetic location: 5q22.2.
Variant type: single nucleotide variant.
Coding change: c.1585C>A on transcript NM_000038.6 (MANE Select); coding-DNA position 1585, C replaced by A.
Protein change: p.Leu529Ile; replaces leucine 529 with isoleucine.
Molecular consequence: missense variant.
Genome position (GRCh38, 1-based): chr5:112,827,965, C>A. VCF-style: chr5-112827965-C-A. GRCh37 (hg19) VCF-style: chr5-112163662-C-A.
Other names: c.1585C>A, p.Leu529Ile (NM_001127510.3, NM_001407450.1, NM_001354895.2); c.1282C>A, p.Leu428Ile (NM_001354903.2, NM_001407458.1, NM_001407459.1 and 1 more transcripts); c.1207C>A, p.Leu403Ile (NM_001354904.2); c.1105C>A, p.Leu369Ile (NM_001354905.2); c.736C>A, p.Leu246Ile (NM_001354906.2, NM_001407470.1); c.1669C>A, p.Leu557Ile (NM_001407446.1); c.1639C>A, p.Leu547Ile (NM_001407447.1, NM_001407448.1, NM_001407449.1 and 1 more transcripts); c.1564C>A, p.Leu522Ile (NM_001407451.1); and 11 more; short protein forms L488I, L504I, L511I, L470I, L522I, L145I, L246I, L369I.
Identifiers: ClinVar variation 4827275 (VCV004827275.1).